The following is an entry in ClinVar:

NM_001606.5(ABCA2):c.1879C>T (p.Arg627Cys)

Gene: ABCA2 (ATP binding cassette subfamily A member 2; minus strand). Cytogenetic location: 9q34.3.
Variant type: single nucleotide variant.
Coding change: c.1879C>T on transcript NM_001606.5 (MANE Select); coding-DNA position 1879, C replaced by T.
Protein change: p.Arg627Cys; replaces arginine 627 with cysteine.
Molecular consequence: missense variant.
Genome position (GRCh38, 1-based): chr9:137,018,292, G>A on the plus strand (C>T on the coding strand, the complement: ABCA2 is on the minus strand). VCF-style: chr9-137018292-G-A. GRCh37 (hg19) VCF-style: chr9-139912744-G-A.
Other names: c.1876C>T, p.Arg626Cys (NM_001411042.1); c.1969C>T, p.Arg657Cys (NM_212533.3); short protein forms R626C, R627C, R657C.
Identifiers: ClinVar variation 3906669 (VCV003906669.1).

ClinVar aggregate classification (germline): Uncertain significance (1 of 4 stars; one submission).

Submission:

GeneDx
Classification: Uncertain significance. Last evaluated: 2024-12-19. Review status: criteria provided, single submitter. Criteria: GeneDx Variant Classification Process June 2021. Collection method: clinical testing. Allele origin: germline. Affected: yes.
Comment: Not observed at significant frequency in large population cohorts (gnomAD); In silico analysis supports that this missense variant has a deleterious effect on protein structure/function; Has not been previously published as pathogenic or benign to our knowledge